The following is an entry in ClinVar:

ClinVar aggregate classification (germline): Uncertain significance (1 of 4 stars; one submission).

Allele frequency attached by ClinVar (database versions not stated): TOPMed 0.00001; ExAC 0.00002; gnomAD 0.00003.
gnomAD v4.1: 27 of 1,614,124 alleles (0.0017%); highest among the groups gnomAD compares: Admixed American, 0.0067%; no homozygotes.

Submission:

Labcorp Genetics (formerly Invitae), Labcorp
Classification: Uncertain significance. Last evaluated: 2025-07-07. Review status: criteria provided, single submitter. Criteria: Invitae Variant Classification Sherloc (09022015). Collection method: clinical testing. Allele origin: germline.
Comment: This sequence change replaces arginine, which is basic and polar, with histidine, which is basic and polar, at codon 169 of the LETM1 protein (p.Arg169His). This variant is present in population databases (rs751790736, gnomAD 0.01%). This variant has not been reported in the literature in individuals affected with LETM1-related conditions. ClinVar contains an entry for this variant (Variation ID: 2176157). An algorithm developed to predict the effect of missense changes on protein structure and function (PolyPhen-2) suggests that this variant is likely to be tolerated. In summary, the available evidence is currently insufficient to determine the role of this variant in disease. Therefore, it has been classified as a Variant of Uncertain Significance.

NM_012318.3(LETM1):c.506G>A (p.Arg169His)

Gene: LETM1 (leucine zipper and EF-hand containing transmembrane protein 1; minus strand). Cytogenetic location: 4p16.3.
Variant type: single nucleotide variant.
Coding change: c.506G>A on transcript NM_012318.3 (MANE Select); coding-DNA position 506, G replaced by A.
Protein change: p.Arg169His; replaces arginine 169 with histidine.
Molecular consequence: missense variant.
Genome position (GRCh38, 1-based): chr4:1,841,435, C>T on the plus strand (G>A on the coding strand, the complement: LETM1 is on the minus strand). VCF-style: chr4-1841435-C-T. GRCh37 (hg19) VCF-style: chr4-1843162-C-T.
Other names: short protein forms R169H.
Identifiers: ClinVar variation 2176157 (VCV002176157.4), dbSNP rs751790736, ClinGen allele CA2811613.